The following is an entry in ClinVar:

ClinVar aggregate classification (germline): Uncertain significance (1 of 4 stars; one submission).

Submission:

Ambry Genetics
Classification: Uncertain significance. Last evaluated: 2026-05-14. Review status: criteria provided, single submitter. Criteria: Ambry Variant Classification Scheme 2023. Collection method: clinical testing. Allele origin: germline.
Comment: The p.S462R variant (also known as c.1386T>G), located in coding exon 1 of the TET2 gene, results from a T to G substitution at nucleotide position 1386. The serine at codon 462 is replaced by arginine, an amino acid with dissimilar properties. This amino acid position is conserved. In addition, this alteration is predicted to be tolerated by in silico analysis. Based on the available evidence, the clinical significance of this variant remains unclear.

NM_001127208.3(TET2):c.1386T>G (p.Ser462Arg)

Genes: TET2 (tet methylcytosine dioxygenase 2; plus strand), TET2-AS1 (TET2 antisense RNA 1; minus strand). Cytogenetic location: 4q24.
Variant type: single nucleotide variant.
Coding change: c.1386T>G on transcript NM_001127208.3 (MANE Select); coding-DNA position 1386, T replaced by G.
Protein change: p.Ser462Arg; replaces serine 462 with arginine.
Molecular consequence: missense variant.
Genome position (GRCh38, 1-based): chr4:105,235,328, T>G. VCF-style: chr4-105235328-T-G. GRCh37 (hg19) VCF-style: chr4-106156485-T-G.
Other names: c.1386T>G, p.Ser462Arg (NM_017628.4); short protein forms S462R.
Identifiers: ClinVar variation 4865568 (VCV004865568.1).
Genomic context (GRCh38, chr4:105,235,328, plus strand): 5'-CACAACACTTTTAAGGGAAGTGAAAATAGAGGGTAAACCTGAGGCACCACCTTCCCAGAG[T>G]CCTAATCCATCTACACATGTATGCAGCCCTTCTCCGATGCTTTCTGAAAGGCCTCAGAAT-3'
Protein context (NP_001120680.1, residues 452-472): EGKPEAPPSQ[Ser462Arg]PNPSTHVCSP